The following is an entry in ClinVar:

ClinVar aggregate classification (germline): Uncertain significance (1 of 4 stars; one submission).

Submission:

GeneDx
Classification: Uncertain significance. Last evaluated: 2026-03-26. Review status: criteria provided, single submitter. Criteria: GeneDx Variant Classification Process June 2021. Collection method: clinical testing. Allele origin: germline.
Comment: Not observed at significant frequency in large population cohorts (gnomAD); In silico analysis supports that this missense variant has a deleterious effect on protein structure/function; Has not been previously published as pathogenic or benign to our knowledge

NM_004818.3(DDX23):c.494C>T (p.Ser165Phe)

Gene: DDX23 (DEAD-box helicase 23; minus strand). Cytogenetic location: 12q13.12.
Variant type: single nucleotide variant.
Coding change: c.494C>T on transcript NM_004818.3 (MANE Select); coding-DNA position 494, C replaced by T.
Protein change: p.Ser165Phe; replaces serine 165 with phenylalanine.
Molecular consequence: missense variant.
Genome position (GRCh38, 1-based): chr12:48,838,067, G>A on the plus strand (C>T on the coding strand, the complement: DDX23 is on the minus strand). VCF-style: chr12-48838067-G-A. GRCh37 (hg19) VCF-style: chr12-49231850-G-A.
Other names: short protein forms S165F.
Identifiers: ClinVar variation 5017097 (VCV005017097.1).